The following is an entry in ClinVar:

ClinVar aggregate classification (germline): Conflicting classifications of pathogenicity. Review status: criteria provided, conflicting classifications (1 of 4 stars). 5 submissions from 4 submitters: Uncertain significance (4); Likely benign (1). Last evaluated 2025-07-01.

Conditions:
Alternating hemiplegia of childhood 1 (AHC1). Identifiers: Orphanet 2131, MedGen C3549447, MONDO:0007087, OMIM 104290.
Migraine, familial hemiplegic, 2. Identifiers: Orphanet 569, MedGen C1865322, MONDO:0011232, OMIM 602481.

Allele frequency attached by ClinVar (database versions not stated): gnomAD exomes 0.00001; TOPMed 0.00001; ExAC 0.00003; ESP Exome Variant Server 0.00008.
gnomAD v4.1: 11 of 1,614,164 alleles (0.00068%); highest among the groups gnomAD compares: South Asian, 0.0022%; no homozygotes.

Submissions (5):

CeGaT Center for Human Genetics Tuebingen
Classification: Uncertain significance. Last evaluated: 2025-07-01. Review status: criteria provided, single submitter. Criteria: CeGaT Center For Human Genetics Tuebingen Variant Classification Criteria Version 2. Collection method: clinical testing. Allele origin: germline. Affected: yes. Observed: 1 variant allele.

Women's Health and Genetics/Laboratory Corporation of America, LabCorp
Classification: Uncertain significance. Last evaluated: 2023-12-08. Review status: criteria provided, single submitter. Criteria: LabCorp Variant Classification Summary - May 2015. Collection method: clinical testing. Allele origin: germline.
Comment: Variant summary: ATP1A2 c.2015C>T (p.Ser672Leu) results in a non-conservative amino acid change located in the P-type ATPase, haloacid dehalogenase domain (IPR044492) of the encoded protein sequence. Three of five in-silico tools predict a benign effect of the variant on protein function. The variant allele was found at a frequency of 1.2e-05 in 250784 control chromosomes (gnomAD). The available data on variant occurrences in the general population are insufficient to allow any conclusion about variant significance. To our knowledge, no occurrence of c.2015C>T in individuals affected with Alternating Hemiplegia Of Childhood 1 and no experimental evidence demonstrating its impact on protein function have been reported. Two submitters have cited clinical-significance assessments for this variant to ClinVar after 2014 and classified the variant as VUS and likely benign. Based on the evidence outlined above, the variant was classified as uncertain significance.

Revvity Omics, Revvity
Classification: Uncertain significance. Last evaluated: 2022-04-26. Review status: criteria provided, single submitter. Criteria: ACMG Guidelines, 2015. Collection method: clinical testing. Allele origin: germline.

Illumina Laboratory Services, Illumina
Classification: Uncertain significance for Migraine, familial hemiplegic, 2. Last evaluated: 2018-01-13. Review status: criteria provided, single submitter. Criteria: ICSL Variant Classification Criteria 13 December 2019. Collection method: clinical testing. Allele origin: germline.

Illumina Laboratory Services, Illumina
Classification: Likely benign for Alternating hemiplegia of childhood 1. Last evaluated: 2018-01-13. Review status: criteria provided, single submitter. Criteria: ICSL Variant Classification Criteria 13 December 2019. Collection method: clinical testing. Allele origin: germline.
Comment: This variant was observed in the ICSL laboratory as part of a predisposition screen in an ostensibly healthy population. It had not been previously curated by ICSL or reported in the Human Gene Mutation Database (HGMD: prior to June 1st, 2018), and was therefore a candidate for classification through an automated scoring system. Utilizing variant allele frequency, disease prevalence and penetrance estimates, and inheritance mode, an automated score was calculated to assess if this variant is too frequent to cause the disease. Based on the score and internal cut-off values, a variant classified as likely benign is not then subjected to further curation. The score for this variant resulted in a classification of likely benign for this disease.

NM_000702.4(ATP1A2):c.2015C>T (p.Ser672Leu)

Gene: ATP1A2 (ATPase Na+/K+ transporting subunit alpha 2; plus strand). Cytogenetic location: 1q23.2.
Variant type: single nucleotide variant.
Coding change: c.2015C>T on transcript NM_000702.4 (MANE Select); coding-DNA position 2015, C replaced by T.
Protein change: p.Ser672Leu; replaces serine 672 with leucine.
Molecular consequence: missense variant.
Genome position (GRCh38, 1-based): chr1:160,135,195, C>T. VCF-style: chr1-160135195-C-T. GRCh37 (hg19) VCF-style: chr1-160104985-C-T.
Other names: short protein forms S672L.
Identifiers: ClinVar variation 874764 (VCV000874764.14), dbSNP rs145701604, ClinGen allele CA1194645.